The following is an entry in ClinVar:

NM_001982.4(ERBB3):c.1677G>A (p.Met559Ile)

Gene: ERBB3 (erb-b2 receptor tyrosine kinase 3; plus strand). Cytogenetic location: 12q13.2.
Variant type: single nucleotide variant.
Coding change: c.1677G>A on transcript NM_001982.4 (MANE Select); coding-DNA position 1677, G replaced by A.
Protein change: p.Met559Ile; replaces methionine 559 with isoleucine.
Molecular consequence: missense variant.
Genome position (GRCh38, 1-based): chr12:56,094,162, G>A. VCF-style: chr12-56094162-G-A. GRCh37 (hg19) VCF-style: chr12-56487946-G-A.
Other names: short protein forms M559I.
Identifiers: ClinVar variation 3032977 (VCV003032977.2), dbSNP rs2540757183, ClinGen allele CA385302467.

ClinVar aggregate classification (germline): Uncertain significance (0 of 4 stars; one submission).

Conditions:
ERBB3-related disorder. Also called: ERBB3-related condition.

Submission:

PreventionGenetics, part of Exact Sciences
Classification: Uncertain significance for ERBB3-related condition. Last evaluated: 2023-12-05. Review status: no assertion criteria provided. Collection method: clinical testing. Allele origin: germline.
Comment: The ERBB3 c.1677G>A variant is predicted to result in the amino acid substitution p.Met559Ile. To our knowledge, this variant has not been reported in the literature or in a large population database, indicating this variant is rare. At this time, the clinical significance of this variant is uncertain due to the absence of conclusive functional and genetic evidence.